The following is an entry in ClinVar:

NM_002016.2(FLG):c.3330G>A (p.Arg1110=)

Genes: CCDST (cervical cancer associated DHX9 suppressive transcript; plus strand), FLG (filaggrin; minus strand). Cytogenetic location: 1q21.3.
Variant type: single nucleotide variant.
Coding change: c.3330G>A on transcript NM_002016.2 (MANE Select); coding-DNA position 3330, G replaced by A.
Protein change: p.Arg1110=; no amino-acid change (arginine 1110 retained).
Molecular consequence: synonymous variant.
Genome position (GRCh38, 1-based): chr1:152,311,556, C>T on the plus strand (G>A on the coding strand, the complement: FLG is on the minus strand). VCF-style: chr1-152311556-C-T. GRCh37 (hg19) VCF-style: chr1-152284032-C-T.
Identifiers: ClinVar variation 1711223 (VCV001711223.30), dbSNP rs1652429805, ClinGen allele CA420930971.

ClinVar aggregate classification (germline): Likely benign (1 of 4 stars; one submission).

Submission:

CeGaT Center for Human Genetics Tuebingen
Classification: Likely benign. Last evaluated: 2022-08-01. Review status: criteria provided, single submitter. Criteria: CeGaT Center For Human Genetics Tuebingen Variant Classification Criteria Version 2. Collection method: clinical testing. Allele origin: germline. Affected: yes. Observed: 1 variant allele.
Comment: FLG: PM2:Supporting, BP4, BP7